The following is an entry in ClinVar:

NC_000002.12:g.(?_214767472)_(214769322_?)del

Gene: BARD1 (BRCA1 associated RING domain 1; minus strand). Cytogenetic location: 2q35.
Variant type: Deletion.
Identifiers: ClinVar variation 656295 (VCV000656295.3).

ClinVar aggregate classification (germline): Pathogenic (1 of 4 stars; one submission).

Conditions:
Familial cancer of breast. Also called: Hereditary breast cancer; hereditary breast carcinoma; BREAST CANCER, FAMILIAL. Identifiers: Orphanet 227535, MedGen C0346153, MONDO:0016419, OMIM 114480. Disease mechanism: loss of function.

Submission:

Labcorp Genetics (formerly Invitae), Labcorp
Classification: Pathogenic for Familial cancer of breast. Last evaluated: 2022-10-13. Review status: criteria provided, single submitter. Criteria: Invitae Variant Classification Sherloc (09022015). Collection method: clinical testing. Allele origin: germline.
Comment: This variant is a gross deletion of the genomic region encompassing exon(s) 5-6 of the BARD1 gene. This deletion is out-of-frame, and is expected to create a premature termination codon and result in an absent or disrupted protein product. Loss-of-function variants in BARD1 are known to be pathogenic (PMID: 20077502, 21344236). This variant has not been reported in the literature in individuals affected with BARD1-related conditions. For these reasons, this variant has been classified as Pathogenic.

Literature cited by the submitters: PubMed 20077502; PubMed 21344236.